The following is an entry in ClinVar:

ClinVar aggregate classification (germline): Uncertain significance (1 of 4 stars; one submission).

gnomAD v4.1: 1 of 1,613,614 alleles (0.000062%); highest among the groups gnomAD compares: African/African-American, 0.0013%; no homozygotes.

Submission:

GeneDx
Classification: Uncertain significance. Last evaluated: 2026-01-22. Review status: criteria provided, single submitter. Criteria: GeneDx Variant Classification Process June 2021. Collection method: clinical testing. Allele origin: germline.
Comment: Not observed at significant frequency in large population cohorts (gnomAD); In silico analysis supports that this missense variant has a deleterious effect on protein structure/function; Has not been previously published as pathogenic or benign to our knowledge

NM_000214.3(JAG1):c.2446G>T (p.Asp816Tyr)

Gene: JAG1 (jagged canonical Notch ligand 1; minus strand). Cytogenetic location: 20p12.2.
Variant type: single nucleotide variant.
Coding change: c.2446G>T on transcript NM_000214.3 (MANE Select); coding-DNA position 2446, G replaced by T.
Protein change: p.Asp816Tyr; replaces aspartic acid 816 with tyrosine.
Molecular consequence: missense variant.
Genome position (GRCh38, 1-based): chr20:10,643,790, C>A on the plus strand (G>T on the coding strand, the complement: JAG1 is on the minus strand). VCF-style: chr20-10643790-C-A. GRCh37 (hg19) VCF-style: chr20-10624438-C-A.
Other names: short protein forms D816Y.
Identifiers: ClinVar variation 4887844 (VCV004887844.1).